The following is an entry in ClinVar:

ClinVar aggregate classification (germline): Uncertain significance (1 of 4 stars; one submission).

Conditions:
Developmental and epileptic encephalopathy, 12 (DEE12). Identifiers: MedGen C3150988, MONDO:0013389, OMIM 613722.

Submission:

Labcorp Genetics (formerly Invitae), Labcorp
Classification: Uncertain significance for Developmental and epileptic encephalopathy, 12. Last evaluated: 2022-02-10. Review status: criteria provided, single submitter. Criteria: Invitae Variant Classification Sherloc (09022015). Collection method: clinical testing. Allele origin: germline.
Comment: Experimental studies and prediction algorithms are not available or were not evaluated, and the functional significance of this variant is currently unknown. In summary, the available evidence is currently insufficient to determine the role of this variant in disease. Therefore, it has been classified as a Variant of Uncertain Significance. This sequence change replaces proline, which is neutral and non-polar, with serine, which is neutral and polar, at codon 278 of the PNKP protein (p.Pro278Ser). Information on the frequency of this variant in the gnomAD database is not available, as this variant may be reported differently in the database. This variant has not been reported in the literature in individuals affected with PNKP-related conditions.

NM_007254.4(PNKP):c.831_832delinsCT (p.Pro278Ser)

Gene: PNKP (polynucleotide kinase 3'-phosphatase; minus strand). Cytogenetic location: 19q13.33.
Variant type: Indel.
Coding change: c.831_832delinsCT on transcript NM_007254.4 (MANE Select); coding-DNA positions 831 to 832, GC replaced by CT.
Protein change: p.Pro278Ser; replaces proline 278 with serine.
Molecular consequence: missense variant.
Genome position (GRCh38, 1-based): chr19:49,862,723-49,862,724, GC replaced by AG on the plus strand (GC replaced by CT on the coding strand, the reverse complement: PNKP is on the minus strand). VCF-style: chr19-49862723-GC-AG. GRCh37 (hg19) VCF-style: chr19-50365980-GC-AG.
Other names: short protein forms P278S.
Identifiers: ClinVar variation 2096216 (VCV002096216.4), dbSNP rs2514637147, ClinGen allele CA2580097579.